The following is an entry in ClinVar:

ClinVar aggregate classification (germline): Uncertain significance (1 of 4 stars; one submission).

Submission:

GeneDx
Classification: Uncertain significance. Last evaluated: 2026-01-29. Review status: criteria provided, single submitter. Criteria: GeneDx Variant Classification Process June 2021. Collection method: clinical testing. Allele origin: germline.
Comment: Not observed at significant frequency in large population cohorts (gnomAD); Has not been previously published as pathogenic or benign to our knowledge; Frameshift variant predicted to result in abnormal protein length as the last 65 amino acid(s) are replaced with 71 different amino acid(s) with an unclear effect on protein function

NM_013245.3(VPS4A):c.1117_1124del (p.Leu373fs)

Gene: VPS4A (vacuolar protein sorting 4 homolog A; plus strand). Cytogenetic location: 16q22.1.
Variant type: Deletion.
Coding change: c.1117_1124del on transcript NM_013245.3 (MANE Select); coding-DNA positions 1117 to 1124, 8 bases deleted (CTCCTGAC; older notation c.1117_1124delCTCCTGAC).
Protein change: p.Leu373fs; shifts the reading frame from leucine 373.
Molecular consequence: frameshift variant.
Genome position (GRCh38, 1-based): chr16:69,322,605-69,322,612, CTCCTGAC deleted; deleting any 8 consecutive bases within chr16:69,322,601-69,322,612 gives the same sequence; the c. name uses the placement nearest the transcript's 3' end. VCF-style (leftmost placement, unchanged base first): chr16-69322600-ATGACCTCC-A. GRCh37 (hg19) VCF-style: chr16-69356503-ATGACCTCC-A.
Other names: short protein forms L373fs.
Identifiers: ClinVar variation 4975567 (VCV004975567.1).